The following is an entry in ClinVar:

ClinVar aggregate classification (germline): Pathogenic (1 of 4 stars; one submission).

Submission:

CeGaT Center for Human Genetics Tuebingen
Classification: Pathogenic. Last evaluated: 2023-04-01. Review status: criteria provided, single submitter. Criteria: CeGaT Center For Human Genetics Tuebingen Variant Classification Criteria Version 2. Collection method: clinical testing. Allele origin: germline. Affected: yes. Observed: 1 variant allele.
Comment: ZMYM2: PVS1, PM2

NM_197968.4(ZMYM2):c.1730C>G (p.Ser577Ter)

Gene: ZMYM2 (zinc finger MYM-type containing 2; plus strand). Cytogenetic location: 13q12.11.
Variant type: single nucleotide variant.
Coding change: c.1730C>G on transcript NM_197968.4 (MANE Select); coding-DNA position 1730, C replaced by G.
Protein change: p.Ser577Ter; replaces serine 577 with a stop codon.
Molecular consequence: nonsense. On other transcripts: non-coding transcript variant (1).
Genome position (GRCh38, 1-based): chr13:20,026,757, C>G. VCF-style: chr13-20026757-C-G. GRCh37 (hg19) VCF-style: chr13-20600897-C-G.
Other names: c.1730C>G, p.Ser577Ter (NM_001190964.4, NM_001190965.4, NM_001353157.2 and 5 more transcripts); c.1535C>G, p.Ser512Ter (NM_001353161.3); c.1469C>G, p.Ser490Ter (NM_001353163.2); short protein forms S490*, S512*, S577*.
Identifiers: ClinVar variation 2570855 (VCV002570855.27), dbSNP rs2502985467, ClinGen allele CA387672523.